The following is an entry in ClinVar:

NM_001040108.2(MLH3):c.3316del (p.Val1107fs)

Gene: MLH3 (mutL homolog 3; minus strand). Cytogenetic location: 14q24.3.
Variant type: Deletion.
Coding change: c.3316del on transcript NM_001040108.2 (MANE Select); coding-DNA position 3316, one base deleted (C; older notation c.3316delC).
Protein change: p.Val1107fs; shifts the reading frame from valine 1107.
Molecular consequence: frameshift variant.
Genome position (GRCh38, 1-based): chr14:75,042,442, G deleted on the plus strand (C on the coding strand, the reverse complement: MLH3 is on the minus strand); the first of 2 consecutive G bases (chr14:75,042,442-75,042,443); deleting either gives the same sequence. VCF-style (leftmost placement, unchanged base first): chr14-75042441-AG-A. GRCh37 (hg19) VCF-style: chr14-75509144-AG-A.
Other names: c.3316del, p.Val1107fs (NM_014381.3); c.3316delC (NM_001040108.1); short protein forms V1107fs.
Identifiers: ClinVar variation 1730139 (VCV001730139.3), dbSNP rs2503220931, ClinGen allele CA2580088755.

ClinVar aggregate classification (germline): Pathogenic (1 of 4 stars; one submission).

Submission:

Ambry Genetics
Classification: Pathogenic. Last evaluated: 2026-07-07. Review status: criteria provided, single submitter. Criteria: Ambry Variant Classification Scheme 2023. Collection method: clinical testing. Allele origin: germline.
Comment: The c.3316delC pathogenic mutation, located in coding exon 2 of the MLH3 gene, results from a deletion of one nucleotide at nucleotide position 3316, causing a translational frameshift with a predicted alternate stop codon (p.V1107Ffs*14). This variant is considered to be rare based on population cohorts in the Genome Aggregation Database (gnomAD). This alteration is expected to result in loss of function by premature protein truncation or nonsense-mediated mRNA decay. As such, this alteration is interpreted as a disease-causing mutation.